The following is an entry in ClinVar:

ClinVar aggregate classification (germline): Benign/Likely benign. Review status: criteria provided, multiple submitters, no conflicts (2 of 4 stars). 4 submissions from 4 submitters: Benign (1); Likely benign (2). 1 of the submissions does not count toward it. Last evaluated 2025-04-22.

Conditions:
PKD1-related disorder. Also called: PKD1-related condition.
Inborn genetic diseases. Identifiers: MedGen C0950123, MeSH D030342.

Allele frequency attached by ClinVar (database versions not stated): gnomAD 0.00019; gnomAD exomes 0.00023; ExAC 0.00026; TOPMed 0.00029.
gnomAD v4.1: 370 of 1,588,676 alleles (0.023%); highest among the groups gnomAD compares: Admixed American, 0.19%; no homozygotes.

Submissions (4):

Women's Health and Genetics/Laboratory Corporation of America, LabCorp
Classification: Likely benign. Last evaluated: 2025-04-22. Review status: criteria provided, single submitter. Criteria: LabCorp Variant Classification Summary - May 2015. Collection method: clinical testing. Allele origin: germline.
Comment: Variant summary: PKD1 c.7463C>T (p.Thr2488Ile) results in a non-conservative amino acid change in the encoded protein sequence. Three of five in-silico tools predict a damaging effect of the variant on protein function. The variant allele was found at a frequency of 0.00046 in 172108 control chromosomes, predominantly at a frequency of 0.0023 within the Latino subpopulation in the gnomAD database. This frequency is not significantly higher than estimated for a pathogenic variant in PKD1 causing PKD1-Biallelic Autosomal Recessive Polycystic Kidney Disease, allowing no conclusion about variant significance. To our knowledge, no occurrence of c.7463C>T in individuals affected with PKD1-Biallelic Autosomal Recessive Polycystic Kidney Disease and no experimental evidence demonstrating its impact on protein function have been reported. ClinVar contains an entry for this variant (Variation ID: 2646004). Based on the evidence outlined above, the variant was classified as likely benign.

Ambry Genetics
Classification: Likely benign for Inborn genetic diseases. Last evaluated: 2024-01-30. Review status: criteria provided, single submitter. Criteria: Ambry Variant Classification Scheme 2023. Collection method: clinical testing. Allele origin: germline.

CeGaT Center for Human Genetics Tuebingen
Classification: Benign. Last evaluated: 2022-04-01. Review status: criteria provided, single submitter. Criteria: CeGaT Center For Human Genetics Tuebingen Variant Classification Criteria Version 2. Collection method: clinical testing. Allele origin: germline. Affected: yes. Observed: 1 variant allele.
Comment: PKD1: BS1, BS2

PreventionGenetics, part of Exact Sciences
Classification: Likely benign for PKD1-related condition. Last evaluated: 2021-06-24. Review status: no assertion criteria provided. Collection method: clinical testing. Allele origin: germline. Not counted in ClinVar's aggregate classification.
Comment: This variant is classified as likely benign based on ACMG/AMP sequence variant interpretation guidelines (Richards et al. 2015 PMID: 25741868, with internal and published modifications).

NM_001009944.3(PKD1):c.7463C>T (p.Thr2488Ile)

Gene: PKD1 (polycystin 1, transient receptor potential channel interacting; minus strand). Cytogenetic location: 16p13.3.
Variant type: single nucleotide variant.
Coding change: c.7463C>T on transcript NM_001009944.3 (MANE Select); coding-DNA position 7463, C replaced by T.
Protein change: p.Thr2488Ile; replaces threonine 2488 with isoleucine.
Molecular consequence: missense variant.
Genome position (GRCh38, 1-based): chr16:2,106,424, G>A on the plus strand (C>T on the coding strand, the complement: PKD1 is on the minus strand). VCF-style: chr16-2106424-G-A. GRCh37 (hg19) VCF-style: chr16-2156425-G-A.
Other names: c.7463C>T, p.Thr2488Ile (NM_000296.4); c.7463C>T (NM_000296.3); short protein forms T2488I.
Identifiers: ClinVar variation 2646004 (VCV002646004.28), dbSNP rs755367165, ClinGen allele CA7831123.